The following is an entry in ClinVar:

ClinVar aggregate classification (germline): Conflicting classifications of pathogenicity. Review status: criteria provided, conflicting classifications (1 of 4 stars). 4 submissions from 4 submitters: Likely pathogenic (2); Uncertain significance (2). Last evaluated 2024-02-16.

Conditions:
CFAP410-related disorder. Also called: CFAP410-related condition.
Retinal dystrophy with or without macular staphyloma. Identifiers: Orphanet 653709, MedGen C4479651, MONDO:0060507, OMIM 617547.

Allele frequency attached by ClinVar (database versions not stated): TOPMed below 0.00001; gnomAD 0.00001.
gnomAD v4.1: 1 of 1,586,274 alleles (0.000063%); highest among the groups gnomAD compares: African/African-American, 0.0014%; no homozygotes.

Submissions (4):

Blueprint Genetics
Classification: Likely pathogenic for CFAP410-related disorders. Last evaluated: 2024-02-16. Review status: criteria provided, single submitter. Criteria: ACMG Guidelines, 2015. Collection method: clinical testing. Allele origin: germline. Affected: yes. Observed: 1 variant allele.

Ocular Genomics Institute, Massachusetts Eye and Ear
Classification: Likely pathogenic for Retinal dystrophy with or without macular staphyloma. Last evaluated: 2024-01-17. Review status: criteria provided, single submitter. Criteria: ACMG Guidelines, 2015. Collection method: research. Allele origin: germline. Affected: yes. Observed: 1 variant allele, 1 homozygote.

Broad Center for Mendelian Genomics, Broad Institute of MIT and Harvard
Classification: Uncertain significance for Retinal dystrophy with or without macular staphyloma. Last evaluated: 2023-05-02. Review status: criteria provided, single submitter. Criteria: ACMG Guidelines, 2015. Collection method: curation. Allele origin: germline. Inheritance: Autosomal recessive inheritance.
Comment: The c.143+3A>T variant in CFAP410 has not been reported in individuals with retinal dystrophy with macular staphyloma but has been identified in 0.002% (1/41418) of African/African American chromosomes by the Genome Aggregation Database (gnomAD; dbSNP ID: rs970527998). Although this variant has been seen in the general population in a heterozygous state, its frequency is low enough to be consistent with a recessive carrier frequency. This variant is located in the 3' splice region. Computational tools predict a splicing impact, though this information is not predictive enough to determine pathogenicity. In summary, the clinical significance of the c.143+3A>T variant is uncertain. ACMG/AMP Criteria applied: PM2_Supporting, PM3_Supporting, PP3 (Richards 2015).

Labcorp Genetics (formerly Invitae), Labcorp
Classification: Uncertain significance. Last evaluated: 2022-08-16. Review status: criteria provided, single submitter. Criteria: Invitae Variant Classification Sherloc (09022015). Collection method: clinical testing. Allele origin: germline.
Comment: Variants that disrupt the consensus splice site are a relatively common cause of aberrant splicing (PMID: 17576681, 9536098). Algorithms developed to predict the effect of sequence changes on RNA splicing suggest that this variant may disrupt the consensus splice site. In summary, the available evidence is currently insufficient to determine the role of this variant in disease. Therefore, it has been classified as a Variant of Uncertain Significance. This variant has not been reported in the literature in individuals affected with CFAP410-related conditions. This variant is not present in population databases (gnomAD no frequency). This sequence change falls in intron 3 of the CFAP410 gene. It does not directly change the encoded amino acid sequence of the CFAP410 protein. It affects a nucleotide within the consensus splice site.

Literature cited by the submitters: PubMed 17576681 (cited by Labcorp Genetics (formerly Invitae), Labcorp); PubMed 9536098 (cited by Labcorp Genetics (formerly Invitae), Labcorp).

NM_004928.3(CFAP410):c.143+3A>T

Gene: CFAP410 (cilia and flagella associated protein 410; minus strand). Cytogenetic location: 21q22.3.
Variant type: single nucleotide variant.
Coding change: c.143+3A>T on transcript NM_004928.3 (MANE Select); 3 bases into the intron after coding-DNA position 143, A replaced by T.
Molecular consequence: intron variant.
Genome position (GRCh38, 1-based): chr21:44,335,755, T>A on the plus strand (A>T on the coding strand, the complement: CFAP410 is on the minus strand). VCF-style: chr21-44335755-T-A. GRCh37 (hg19) VCF-style: chr21-45755638-T-A.
Other names: NM_001271441.2:c.143+3A>T; c.143+3A>T (NM_001271440.2, NM_001271441.2); c.29+3A>T (NM_001271442.1).
Identifiers: ClinVar variation 1949043 (VCV001949043.8), dbSNP rs970527998, ClinGen allele CA321785931.